The following is an entry in ClinVar:

ClinVar aggregate classification (germline): Likely benign. Review status: criteria provided, multiple submitters, no conflicts (2 of 4 stars). 2 submissions from 2 submitters: Likely benign (2). Last evaluated 2026-01-06.

Conditions:
POLD1-related polyposis and colorectal cancer syndrome (CRCS10). Also called: Colorectal cancer 10; COLORECTAL CANCER, SUSCEPTIBILITY TO, ON CHROMOSOME 19q; Colorectal cancer, susceptibility to, 10. Identifiers: Orphanet 220460, MedGen C2675481, MONDO:0012953, OMIM 612591.

Submissions (2):

Labcorp Genetics (formerly Invitae), Labcorp
Classification: Likely benign for POLD1-related polyposis and colorectal cancer syndrome. Last evaluated: 2026-01-06. Review status: criteria provided, single submitter. Criteria: Invitae Variant Classification Sherloc (09022015). Collection method: clinical testing. Allele origin: germline.

Myriad Genetics, Inc.
Classification: Likely benign for POLD1-related polyposis and colorectal cancer syndrome. Last evaluated: 2025-02-04. Review status: criteria provided, single submitter. Criteria: Myriad Autosomal Dominant, Autosomal Recessive and X-Linked Classification Criteria (2023). Collection method: clinical testing. Allele origin: unknown.
Comment: This variant is considered likely benign. This variant is intronic and is not expected to impact mRNA splicing.

NM_002691.4(POLD1):c.841-9_841-8delinsAT

Gene: POLD1 (DNA polymerase delta 1, catalytic subunit; plus strand). Cytogenetic location: 19q13.33.
Variant type: Indel.
Coding change: c.841-9_841-8delinsAT on transcript NM_002691.4 (MANE Select); 9 bases into the intron before coding-DNA position 841 through 8 bases into the intron before coding-DNA position 841, TG replaced by AT.
Molecular consequence: intron variant.
Genome position (GRCh38, 1-based): chr19:50,402,603-50,402,604, TG replaced by AT. VCF-style: chr19-50402603-TG-AT. GRCh37 (hg19) VCF-style: chr19-50905860-TG-AT.
Other names: c.841-9_841-8delinsAT (NM_001256849.1, NM_001308632.1).
Identifiers: ClinVar variation 1539080 (VCV001539080.9), dbSNP rs2122254656, ClinGen allele CA2573156562.